The following is an entry in ClinVar:

ClinVar aggregate classification (germline): Uncertain significance (1 of 4 stars; one submission).

Submission:

Women's Health and Genetics/Laboratory Corporation of America, LabCorp
Classification: Uncertain significance. Last evaluated: 2024-06-12. Review status: criteria provided, single submitter. Criteria: LabCorp Variant Classification Summary - May 2015. Collection method: clinical testing. Allele origin: germline.
Comment: Variant summary: ANO6 c.2665_2666insTAA (p.Lys888_Asn889insIle) results in an in-frame insertion that is predicted to insert one amino acid into the encoded protein. The variant was absent in 250560 control chromosomes. The available data on variant occurrences in the general population are insufficient to allow any conclusion about variant significance. To our knowledge, no occurrence of c.2665_2666insTAA in individuals affected with Scott Syndrome and no experimental evidence demonstrating its impact on protein function have been reported. No submitters have cited clinical-significance assessments for this variant to ClinVar. Based on the evidence outlined above, the variant was classified as uncertain significance.

NM_001025356.3(ANO6):c.2665_2666insTAA (p.Lys888_Asn889insIle)

Gene: ANO6 (anoctamin 6; plus strand). Cytogenetic location: 12q12.
Variant type: Insertion.
Coding change: c.2665_2666insTAA on transcript NM_001025356.3 (MANE Select); coding-DNA positions 2665 to 2666, TAA inserted.
Protein change: p.Lys888_Asn889insIle.
Molecular consequence: inframe insertion. On other transcripts: intron variant (1).
Genome position: GRCh38 VCF-style: chr12-45429241-A-AAAT. GRCh37 (hg19) VCF-style: chr12-45823024-A-AAAT.
Other names: c.2611_2612insTAA, p.Lys870_Asn871insIle (NM_001142678.2); c.2728_2729insTAA, p.Lys909_Asn910insIle (NM_001204803.2); c.2632_2633insTAA, p.Lys877_Asn878insIle (NM_001410973.1); c.2526+6181_2526+6182insTAA (NM_001142679.2).
Identifiers: ClinVar variation 3339573 (VCV003339573.1).